The following is an entry in ClinVar:

ClinVar aggregate classification (germline): Pathogenic. Review status: criteria provided, multiple submitters, no conflicts (2 of 4 stars). 4 submissions from 4 submitters: Pathogenic (3). 1 of the submissions does not count toward it. Last evaluated 2025-04-17.

Conditions:
SOD1-related disorder. Also called: SOD1-related condition.
Amyotrophic lateral sclerosis type 1 (ALS1). Also called: AMYOTROPHIC LATERAL SCLEROSIS 1, FAMILIAL. Identifiers: Orphanet 803, MedGen C1862939, MONDO:0007103, OMIM 105400.

Submissions (4):

Human Genome Lab, NIMHANS, National Institute of Mental Health and Neuro Sciences
Classification: Pathogenic for Amyotrophic lateral sclerosis type 1. Last evaluated: 2025-04-17. Review status: criteria provided, single submitter. Criteria: ACMG Guidelines, 2015. Collection method: clinical testing. Allele origin: germline. Inheritance: Autosomal dominant inheritance. Affected: yes. Observed: 1 heterozygote.
Comment: The SOD1 gene encodes superoxide dismutase-1, a cytoplasmic antioxidant enzyme that metabolizes superoxide radicals to molecular oxygen and hydrogen peroxide, thus providing a defense against oxygen toxicity.The p.Gly86Arg variant results in the substitution of a glycine residue with arginine at position 86 of the SOD1 protein. This missense mutation has been associated with the familial form of amyotrophic lateral sclerosis (ALS), a progressive neurodegenerative disease characterized by the loss of motor neurons in the brain and spinal cord. Studies have shown that the G85R SOD1 variant (equivalent to p.Gly86Arg due to the absence of the initial methionine in the protein sequence) induces motor neuron toxicity, although the exact mechanisms remain unclear .

PreventionGenetics, part of Exact Sciences
Classification: Pathogenic for SOD1-related condition. Last evaluated: 2024-11-08. Review status: criteria provided, single submitter. Criteria: ACMG Guidelines, 2015. Collection method: clinical testing. Allele origin: germline.
Comment: The SOD1 c.256G>C variant is predicted to result in the amino acid substitution p.Gly86Arg. This variant, which is also referred to as p.Gly85Arg in past reports using older genome reference builds, has been well-documented to be a cause of amyotrophic lateral sclerosis (Rosen et al. 1993. PubMed ID: 8446170; Prudencio et al. 2009. PubMed ID: 19483195; Chen et al. 2020. PubMed ID: 32166880). This variant has not been reported in a large population database, indicating this variant is rare. This variant is interpreted as pathogenic.

Labcorp Genetics (formerly Invitae), Labcorp
Classification: Pathogenic for Amyotrophic lateral sclerosis type 1. Last evaluated: 2022-08-23. Review status: criteria provided, single submitter. Criteria: Invitae Variant Classification Sherloc (09022015). Collection method: clinical testing. Allele origin: germline.
Comment: This variant disrupts the p.Gly86 amino acid residue in SOD1. Other variant(s) that disrupt this residue have been observed in individuals with SOD1-related conditions (PMID: 20075587), which suggests that this may be a clinically significant amino acid residue. Experimental studies have shown that this missense change affects SOD1 function (PMID: 15050437, 15208263, 16945901, 19165329, 20399791, 23280792, 24134191). Advanced modeling of protein sequence and biophysical properties (such as structural, functional, and spatial information, amino acid conservation, physicochemical variation, residue mobility, and thermodynamic stability) performed at Invitae indicates that this missense variant is expected to disrupt SOD1 protein function. ClinVar contains an entry for this variant (Variation ID: 14758). This variant is also known as G85R. This missense change has been observed in individuals with autosomal dominant amyotrophic lateral sclerosis (PMID: 8446170, 20472325, 24908169, 32166880; Invitae). This variant is not present in population databases (gnomAD no frequency). This sequence change replaces glycine, which is neutral and non-polar, with arginine, which is basic and polar, at codon 86 of the SOD1 protein (p.Gly86Arg). For these reasons, this variant has been classified as Pathogenic.

OMIM
Classification: Pathogenic for AMYOTROPHIC LATERAL SCLEROSIS 1. Last evaluated: 1998-09-18. Review status: no assertion criteria provided. Collection method: literature only. Allele origin: germline. Not counted in ClinVar's aggregate classification.

Literature cited by the submitters: PubMed 20075587 (cited by Labcorp Genetics (formerly Invitae), Labcorp); PubMed 15050437 (cited by Labcorp Genetics (formerly Invitae), Labcorp); PubMed 15208263 (cited by Labcorp Genetics (formerly Invitae), Labcorp); PubMed 16945901 (cited by Labcorp Genetics (formerly Invitae), Labcorp); PubMed 19165329 (cited by Labcorp Genetics (formerly Invitae), Labcorp); PubMed 20399791 (cited by Labcorp Genetics (formerly Invitae), Labcorp); PubMed 23280792 (cited by Labcorp Genetics (formerly Invitae), Labcorp); PubMed 24134191 (cited by Labcorp Genetics (formerly Invitae), Labcorp); PubMed 8446170 (cited by Labcorp Genetics (formerly Invitae), Labcorp and OMIM); PubMed 20472325 (cited by Labcorp Genetics (formerly Invitae), Labcorp); PubMed 24908169 (cited by Labcorp Genetics (formerly Invitae), Labcorp); PubMed 32166880 (cited by Labcorp Genetics (formerly Invitae), Labcorp); PubMed 8058797 (cited by OMIM); PubMed 7891072 (cited by OMIM); PubMed 9052802 (cited by OMIM); PubMed 9743498 (cited by OMIM).

NM_000454.5(SOD1):c.256G>C (p.Gly86Arg)

Gene: SOD1 (superoxide dismutase 1; plus strand). Cytogenetic location: 21q22.11.
Variant type: single nucleotide variant.
Coding change: c.256G>C on transcript NM_000454.5 (MANE Select); coding-DNA position 256, G replaced by C.
Protein change: p.Gly86Arg; replaces glycine 86 with arginine.
Molecular consequence: missense variant.
Genome position (GRCh38, 1-based): chr21:31,667,274, G>C. VCF-style: chr21-31667274-G-C. GRCh37 (hg19) VCF-style: chr21-33039587-G-C.
Other names: G85R; c.256G>C (NM_000454.4); short protein forms G86R.
Identifiers: ClinVar variation 14758 (VCV000014758.9), dbSNP rs121912436, ClinGen allele CA257323.